The following is an entry in ClinVar:

NM_004329.3(BMPR1A):c.897_1029del (p.Gly300fs)

Gene: BMPR1A (bone morphogenetic protein receptor type 1A; plus strand). Cytogenetic location: 10q23.2.
Variant type: Deletion.
Coding change: c.897_1029del on transcript NM_004329.3 (MANE Select); coding-DNA positions 897 to 1029, 133 bases deleted.
Protein change: p.Gly300fs; shifts the reading frame from glycine 300.
Molecular consequence: frameshift variant.
Genome position (GRCh38, 1-based): chr10:86,919,200-86,919,332, 133 bases deleted. GRCh37 (hg19): chr10:88,678,957-88,679,089.
Other names: short protein forms G300fs.
Identifiers: ClinVar variation 951998 (VCV000951998.8), dbSNP rs1843621548, ClinGen allele CA1139661556.

ClinVar aggregate classification (germline): Pathogenic (1 of 4 stars; one submission).

Conditions:
Juvenile polyposis syndrome (JPS). Identifiers: Orphanet 2929, MedGen C0345893, MONDO:0017380, OMIM 174900.

Submission:

Labcorp Genetics (formerly Invitae), Labcorp
Classification: Pathogenic for Juvenile polyposis syndrome. Last evaluated: 2019-05-01. Review status: criteria provided, single submitter. Criteria: Invitae Variant Classification Sherloc (09022015). Collection method: clinical testing. Allele origin: germline.
Comment: For these reasons, this variant has been classified as Pathogenic. Loss-of-function variants in BMPR1A are known to be pathogenic (PMID: 11536076, 12417513). This variant has not been reported in the literature in individuals with BMPR1A-related conditions. This variant is not present in population databases (ExAC no frequency). This sequence change creates a premature translational stop signal (p.Gly300Thrfs*20) in the BMPR1A gene. It is expected to result in an absent or disrupted protein product.

Literature cited by the submitters: PubMed 11536076; PubMed 12417513.